The following is an entry in ClinVar:

ClinVar aggregate classification (germline): Pathogenic/Likely pathogenic. Review status: criteria provided, multiple submitters, no conflicts (2 of 4 stars). 2 submissions from 2 submitters: Pathogenic (1); Likely pathogenic (1). Last evaluated 2023-12-28.

Conditions:
Bloom syndrome (BLM). Also called: Bloom-Torre-Machacek syndrome. Identifiers: Orphanet 125, MedGen C0005859, MONDO:0008876, OMIM 210900.

Submissions (2):

Baylor Genetics
Classification: Likely pathogenic for Bloom syndrome. Last evaluated: 2023-12-28. Review status: criteria provided, single submitter. Criteria: ACMG Guidelines, 2015. Collection method: clinical testing. Allele origin: unknown.

Labcorp Genetics (formerly Invitae), Labcorp
Classification: Pathogenic for Bloom syndrome. Last evaluated: 2021-05-09. Review status: criteria provided, single submitter. Criteria: Invitae Variant Classification Sherloc (09022015). Collection method: clinical testing. Allele origin: germline.
Comment: For these reasons, this variant has been classified as Pathogenic. This variant has not been reported in the literature in individuals with BLM-related conditions. This variant is not present in population databases (ExAC no frequency). This sequence change creates a premature translational stop signal (p.Leu25*) in the BLM gene. It is expected to result in an absent or disrupted protein product. Loss-of-function variants in BLM are known to be pathogenic (PMID: 17407155).

Literature cited by the submitters: PubMed 17407155 (cited by Labcorp Genetics (formerly Invitae), Labcorp).

NM_000057.4(BLM):c.74T>G (p.Leu25Ter)

Gene: BLM (BLM RecQ like helicase; plus strand). Cytogenetic location: 15q26.1.
Variant type: single nucleotide variant.
Coding change: c.74T>G on transcript NM_000057.4 (MANE Select); coding-DNA position 74, T replaced by G.
Protein change: p.Leu25Ter; replaces leucine 25 with a stop codon.
Molecular consequence: nonsense. On other transcripts: 5 prime UTR variant (1).
Genome position (GRCh38, 1-based): chr15:90,747,466, T>G. VCF-style: chr15-90747466-T-G. GRCh37 (hg19) VCF-style: chr15-91290696-T-G.
Other names: c.74T>G, p.Leu25Ter (NM_001287246.2, NM_001287247.2); c.-1218T>G (NM_001287248.2); short protein forms L25*.
Identifiers: ClinVar variation 1370948 (VCV001370948.7), dbSNP rs1895534883, ClinGen allele CA393838962.